The following is an entry in ClinVar:

NM_139057.4(ADAMTS17):c.1790G>T (p.Cys597Phe)

Gene: ADAMTS17 (ADAM metallopeptidase with thrombospondin type 1 motif 17; minus strand). Cytogenetic location: 15q26.3.
Variant type: single nucleotide variant.
Coding change: c.1790G>T on transcript NM_139057.4 (MANE Select); coding-DNA position 1790, G replaced by T.
Protein change: p.Cys597Phe; replaces cysteine 597 with phenylalanine.
Molecular consequence: missense variant.
Genome position (GRCh38, 1-based): chr15:100,116,945, C>A on the plus strand (G>T on the coding strand, the complement: ADAMTS17 is on the minus strand). VCF-style: chr15-100116945-C-A. GRCh37 (hg19) VCF-style: chr15-100657150-C-A.
Other names: c.1790G>T (NM_139057.2); short protein forms C597F.
Identifiers: ClinVar variation 1444021 (VCV001444021.6), dbSNP rs1277235271, ClinGen allele CA393933329.

ClinVar aggregate classification (germline): Uncertain significance. Review status: criteria provided, multiple submitters, no conflicts (2 of 4 stars). 2 submissions from 2 submitters: Uncertain significance (2). Last evaluated 2025-05-14.

Conditions:
Inborn genetic diseases. Identifiers: MedGen C0950123, MeSH D030342.

Allele frequency attached by ClinVar (database versions not stated): gnomAD exomes below 0.00001; TOPMed 0.00001.
gnomAD v4.1: 5 of 1,614,082 alleles (0.00031%); highest among the groups gnomAD compares: Admixed American, 0.0083%; no homozygotes.

Submissions (2):

Ambry Genetics
Classification: Uncertain significance for Inborn genetic diseases. Last evaluated: 2025-05-14. Review status: criteria provided, single submitter. Criteria: Ambry Variant Classification Scheme 2023. Collection method: clinical testing. Allele origin: germline.

Labcorp Genetics (formerly Invitae), Labcorp
Classification: Uncertain significance. Last evaluated: 2024-01-08. Review status: criteria provided, single submitter. Criteria: Invitae Variant Classification Sherloc (09022015). Collection method: clinical testing. Allele origin: germline.
Comment: This sequence change replaces cysteine, which is neutral and slightly polar, with phenylalanine, which is neutral and non-polar, at codon 597 of the ADAMTS17 protein (p.Cys597Phe). This variant is present in population databases (no rsID available, gnomAD 0.003%). This variant has not been reported in the literature in individuals affected with ADAMTS17-related conditions. ClinVar contains an entry for this variant (Variation ID: 1444021). An algorithm developed to predict the effect of missense changes on protein structure and function (PolyPhen-2) suggests that this variant is likely to be disruptive. In summary, the available evidence is currently insufficient to determine the role of this variant in disease. Therefore, it has been classified as a Variant of Uncertain Significance.